The following is an entry in ClinVar:

NM_032119.4(ADGRV1):c.4260A>G (p.Glu1420=)

Gene: ADGRV1 (adhesion G protein-coupled receptor V1; plus strand). Cytogenetic location: 5q14.3.
Variant type: single nucleotide variant.
Coding change: c.4260A>G on transcript NM_032119.4 (MANE Select); coding-DNA position 4260, A replaced by G.
Protein change: p.Glu1420=; no amino-acid change (glutamic acid 1420 retained).
Molecular consequence: synonymous variant. On other transcripts: non-coding transcript variant (1).
Genome position (GRCh38, 1-based): chr5:90,653,834, A>G. VCF-style: chr5-90653834-A-G. GRCh37 (hg19) VCF-style: chr5-89949651-A-G.
Other names: p.E1420E:GAA>GAG.
Identifiers: ClinVar variation 46327 (VCV000046327.46), dbSNP rs61740119, ClinGen allele CA138128.

ClinVar aggregate classification (germline): Benign/Likely benign. Review status: criteria provided, multiple submitters, no conflicts (2 of 4 stars). 9 submissions from 9 submitters: Benign (6); Likely benign (3). Last evaluated 2026-07-01.

Conditions:
Usher syndrome type 2C. Also called: Usher syndrome, type 2B; USHER SYNDROME, TYPE IIC. Identifiers: Orphanet 231178, Orphanet 886, MedGen C2931213, MONDO:0011558, OMIM 605472.

Allele frequency attached by ClinVar (database versions not stated): gnomAD 0.00542 and 0.00555; ESP Exome Variant Server 0.00631; gnomAD exomes 0.00562 and 0.00399; TOPMed 0.00564; ExAC 0.00717; 1000 Genomes Project 0.00759; 1000 Genomes Project 30x 0.00734.
gnomAD v4.1: 6,779 of 1,612,894 alleles (0.42%); highest among the groups gnomAD compares: Middle Eastern, 2.9%; 49 homozygotes.

Submissions (9):

CeGaT Center for Human Genetics Tuebingen
Classification: Benign. Last evaluated: 2026-07-01. Review status: criteria provided, single submitter. Criteria: CeGaT Center For Human Genetics Tuebingen Variant Classification Criteria Version 2. Collection method: clinical testing. Allele origin: germline. Affected: yes. Observed: 12 variant alleles.
Comment: ADGRV1: BP4, BP7, BS1, BS2

Labcorp Genetics (formerly Invitae), Labcorp
Classification: Benign. Last evaluated: 2026-02-02. Review status: criteria provided, single submitter. Criteria: Invitae Variant Classification Sherloc (09022015). Collection method: clinical testing. Allele origin: germline.

Athena Diagnostics
Classification: Benign. Last evaluated: 2025-04-11. Review status: criteria provided, single submitter. Criteria: Athena Diagnostics Criteria. Collection method: clinical testing. Allele origin: unknown.
Comment: The frequency of this variant in the general population is higher than would generally be expected for pathogenic variants in this gene.

ARUP Laboratories, Molecular Genetics and Genomics, ARUP Laboratories
Classification: Benign. Last evaluated: 2023-09-06. Review status: criteria provided, single submitter. Criteria: ARUP Molecular Germline Variant Investigation Process 2024. Collection method: clinical testing. Allele origin: germline.

Illumina Laboratory Services, Illumina
Classification: Likely benign for Usher syndrome type 2C. Last evaluated: 2018-01-13. Review status: criteria provided, single submitter. Criteria: ICSL Variant Classification Criteria 13 December 2019. Collection method: clinical testing. Allele origin: germline.
Comment: This variant was observed in the ICSL laboratory as part of a predisposition screen in an ostensibly healthy population. It had not been previously curated by ICSL or reported in the Human Gene Mutation Database (HGMD: prior to June 1st, 2018), and was therefore a candidate for classification through an automated scoring system. Utilizing variant allele frequency, disease prevalence and penetrance estimates, and inheritance mode, an automated score was calculated to assess if this variant is too frequent to cause the disease. Based on the score and internal cut-off values, a variant classified as likely benign is not then subjected to further curation. The score for this variant resulted in a classification of likely benign for this disease.

Genetic Services Laboratory, University of Chicago
Classification: Likely benign. Last evaluated: 2014-04-21. Review status: criteria provided, single submitter. Criteria: ACMG Guidelines, 2007. Collection method: clinical testing. Allele origin: germline. Inheritance: Autosomal dominant inheritance.
Comment: Likely benign based on allele frequency in 1000 Genomes Project or ESP global frequency and its presence in a patient with a rare or unrelated disease phenotype. NOT Sanger confirmed

GeneDx
Classification: Benign. Last evaluated: 2013-04-30. Review status: criteria provided, single submitter. Criteria: GeneDx Variant Classification (06012015). Collection method: clinical testing. Allele origin: germline. Affected: yes.
Comment: This variant is considered likely benign or benign based on one or more of the following criteria: it is a conservative change, it occurs at a poorly conserved position in the protein, it is predicted to be benign by multiple in silico algorithms, and/or has population frequency not consistent with disease.

Laboratory for Molecular Medicine, Mass General Brigham Personalized Medicine
Classification: Benign. Last evaluated: 2012-08-28. Review status: criteria provided, single submitter. Criteria: LMM Criteria. Collection method: clinical testing. Allele origin: germline. Observed: 26 variant alleles.
Comment: Glu1420Glu in exon 20 of GPR98: This variant is not expected to have clinical s ignificance because it does not alter an amino acid residue, is not located with in the splice consensus sequence and has been identified in 0.4% (33/8180) of Eu ropean American chromosomes and 1.1% (42/3706) of African American chromosomes f rom a broad population by the NHLBI Exome sequencing project (dbSNP rs61740119).

Breakthrough Genomics
Classification: Likely benign. Review status: criteria provided, single submitter. Criteria: ACMG Guidelines, 2015. Collection method: not provided. Allele origin: germline. Inheritance: Autosomal recessive inheritance. Affected: yes.

Literature cited by the submitters: PubMed 28569743 (cited by Athena Diagnostics).